The following is an entry in ClinVar:

NM_031448.6(C19orf12):c.68C>A (p.Ala23Glu)

Gene: C19orf12 (chromosome 19 open reading frame 12; minus strand). Cytogenetic location: 19q12.
Variant type: single nucleotide variant.
Coding change: c.68C>A on transcript NM_031448.6 (MANE Select); coding-DNA position 68, C replaced by A.
Protein change: p.Ala23Glu; replaces alanine 23 with glutamic acid.
Molecular consequence: missense variant. On other transcripts: 5 prime UTR variant (1), intron variant (2).
Genome position (GRCh38, 1-based): chr19:29,708,346, G>T on the plus strand (C>A on the coding strand, the complement: C19orf12 is on the minus strand). VCF-style: chr19-29708346-G-T. GRCh37 (hg19) VCF-style: chr19-30199253-G-T.
Other names: c.68C>A, p.Ala23Glu (NM_001031726.4, NM_001256046.3, NM_001256047.2); c.-246C>A (NM_001282931.3); c.-32-5369C>A (NM_001282929.1, NM_001282930.3); short protein forms A23E.
Identifiers: ClinVar variation 1682839 (VCV001682839.8), dbSNP rs544395324, ClinGen allele CA405145556.

ClinVar aggregate classification (germline): Uncertain significance (1 of 4 stars; one submission).

Conditions:
Hereditary spastic paraplegia 43. Also called: Spastic paraplegia 43, autosomal recessive. Identifiers: Orphanet 320370, MedGen C2680446, MONDO:0014024, OMIM 615043.

Submission:

Labcorp Genetics (formerly Invitae), Labcorp
Classification: Uncertain significance for Hereditary spastic paraplegia 43. Last evaluated: 2021-08-12. Review status: criteria provided, single submitter. Criteria: Invitae Variant Classification Sherloc (09022015). Collection method: clinical testing. Allele origin: germline.
Comment: In summary, the available evidence is currently insufficient to determine the role of this variant in disease. Therefore, it has been classified as a Variant of Uncertain Significance. Algorithms developed to predict the effect of missense changes on protein structure and function are either unavailable or do not agree on the potential impact of this missense change (SIFT: "Deleterious"; PolyPhen-2: "Probably Damaging"; Align-GVGD: "Class C0"). This variant has not been reported in the literature in individuals affected with C19orf12-related conditions. This variant is not present in population databases (ExAC no frequency). This sequence change replaces alanine with glutamic acid at codon 34 of the C19orf12 protein (p.Ala34Glu). The alanine residue is moderately conserved and there is a moderate physicochemical difference between alanine and glutamic acid.